The following is an entry in ClinVar:

ClinVar aggregate classification (germline): Uncertain significance (1 of 4 stars; one submission).

Allele frequency attached by ClinVar (database versions not stated): TOPMed below 0.00001.

Submission:

Ambry Genetics
Classification: Uncertain significance. Last evaluated: 2023-10-26. Review status: criteria provided, single submitter. Criteria: Ambry Variant Classification Scheme 2023. Collection method: clinical testing. Allele origin: germline.
Comment: The p.A1404T variant (also known as c.4210G>A), located in coding exon 11 of the MLH3 gene, results from a G to A substitution at nucleotide position 4210. The alanine at codon 1404 is replaced by threonine, an amino acid with similar properties. This amino acid position is well conserved in available vertebrate species. In addition, the in silico prediction for this alteration is inconclusive. The evidence for this gene-disease relationship is limited; therefore, the clinical significance of this alteration is unclear.

NM_001040108.2(MLH3):c.4210G>A (p.Ala1404Thr)

Gene: MLH3 (mutL homolog 3; minus strand). Cytogenetic location: 14q24.3.
Variant type: single nucleotide variant.
Coding change: c.4210G>A on transcript NM_001040108.2 (MANE Select); coding-DNA position 4210, G replaced by A.
Protein change: p.Ala1404Thr; replaces alanine 1404 with threonine.
Molecular consequence: missense variant.
Genome position (GRCh38, 1-based): chr14:75,018,861, C>T on the plus strand (G>A on the coding strand, the complement: MLH3 is on the minus strand). VCF-style: chr14-75018861-C-T. GRCh37 (hg19) VCF-style: chr14-75485564-C-T.
Other names: c.4138G>A, p.Ala1380Thr (NM_014381.3); short protein forms A1380T, A1404T.
Identifiers: ClinVar variation 3232570 (VCV003232570.1), dbSNP rs1362298193, ClinGen allele CA390418771.
Genomic context (GRCh38, chr14:75,018,861, plus strand): 5'-CTCCTGCTCCTGTTAGTCATTAATGTACCTGTTTTTCCTGTTCCAAGTGGTCTATGTCAG[C>T]TAACGGCAGCATAGAAGGTCTCCCGTGAGCACACTGGAATGGCAGCTGGCATGAGGACAG-3'
Protein context (NP_001035197.1, residues 1394-1414): AHGRPSMLPL[Ala1404Thr]DIDHLEQEKQ